The following is an entry in ClinVar:

NM_001283009.2(RTEL1):c.325A>G (p.Ile109Val)

Genes: RTEL1 (regulator of telomere elongation helicase 1; plus strand), RTEL1-TNFRSF6B (RTEL1-TNFRSF6B readthrough (NMD candidate); plus strand). Cytogenetic location: 20q13.33.
Variant type: single nucleotide variant.
Coding change: c.325A>G on transcript NM_001283009.2 (MANE Select); coding-DNA position 325, A replaced by G.
Protein change: p.Ile109Val; replaces isoleucine 109 with valine.
Molecular consequence: missense variant. On other transcripts: non-coding transcript variant (1), 5 prime UTR variant (1).
Genome position (GRCh38, 1-based): chr20:63,661,873, A>G. VCF-style: chr20-63661873-A-G. GRCh37 (hg19) VCF-style: chr20-62293226-A-G.
Other names: c.-345A>G (NM_001283010.1); c.325A>G, p.Ile109Val (NM_016434.4, NM_032957.5); short protein forms I109V.
Identifiers: ClinVar variation 3435920 (VCV003435920.3).

ClinVar aggregate classification (germline): Uncertain significance. Review status: criteria provided, multiple submitters, no conflicts (2 of 4 stars). 2 submissions from 2 submitters: Uncertain significance (2). Last evaluated 2025-08-06.

Conditions:
Inborn genetic diseases. Identifiers: MedGen C0950123, MeSH D030342.

Submissions (2):

Ambry Genetics
Classification: Uncertain significance for Inborn genetic diseases. Last evaluated: 2025-08-06. Review status: criteria provided, single submitter. Criteria: Ambry Variant Classification Scheme 2023. Collection method: clinical testing. Allele origin: germline.

GeneDx
Classification: Uncertain significance. Last evaluated: 2025-07-24. Review status: criteria provided, single submitter. Criteria: GeneDx Variant Classification Process June 2021. Collection method: clinical testing. Allele origin: germline. Affected: yes.
Comment: Not observed at significant frequency in large population cohorts (gnomAD); In silico analysis suggests that this missense variant does not alter protein structure/function; Has not been previously published as pathogenic or benign to our knowledge